The following is an entry in ClinVar:

NM_006005.3(WFS1):c.2389G>A (p.Asp797Asn)

Gene: WFS1 (wolframin ER transmembrane glycoprotein; plus strand). Cytogenetic location: 4p16.1.
Variant type: single nucleotide variant.
Coding change: c.2389G>A on transcript NM_006005.3 (MANE Select); coding-DNA position 2389, G replaced by A.
Protein change: p.Asp797Asn; replaces aspartic acid 797 with asparagine.
Molecular consequence: missense variant.
Genome position (GRCh38, 1-based): chr4:6,302,184, G>A. VCF-style: chr4-6302184-G-A. GRCh37 (hg19) VCF-style: chr4-6303911-G-A.
Other names: c.2389G>A, p.Asp797Asn (NM_001145853.1); short protein forms D797N.
Identifiers: ClinVar variation 517360 (VCV000517360.62), dbSNP rs1553879004, ClinGen allele CA356178487.

ClinVar aggregate classification (germline): Conflicting classifications of pathogenicity. Review status: criteria provided, conflicting classifications (1 of 4 stars). 13 submissions from 13 submitters: Pathogenic (7); Likely pathogenic (3); Uncertain risk allele (1). 2 of the submissions do not count toward it. Last evaluated 2026-08-18.

Conditions:
Monogenic hearing loss.
Optic atrophy. Identifiers: MedGen C0029124, MONDO:0003608, HP:0000648.
WFS1-related disorder. Identifiers: MedGen CN379391, MONDO:0700293.
Autosomal dominant nonsyndromic hearing loss. Also called: Rare autosomal dominant non-syndromic sensorineural deafness type DFNA. Identifiers: Orphanet 90635, MedGen C5779548, MONDO:0019587.
Rare genetic deafness. Identifiers: Orphanet 96210, MedGen C5680250.
Wolfram syndrome 1 (WFS1). Identifiers: Orphanet 3463, MedGen C4551693, MONDO:0009101, OMIM 222300.

Submissions (13):

PreventionGenetics, part of Exact Sciences
Classification: Pathogenic for WFS1-related condition. Last evaluated: 2026-08-18. Review status: criteria provided, single submitter. Criteria: ACMG Guidelines, 2015. Collection method: clinical testing. Allele origin: germline.
Comment: The WFS1 c.2389G>A variant is predicted to result in the amino acid substitution p.Asp797Asn. This variant has been reported as causative for autosomal dominant nonsyndromic hearing loss affecting all frequencies (Bai et al. 2014. PubMed ID: 25250959; Cheng et al. 2018. PubMed ID: 29447883; Table 1, Cruz Marino et al. 2021. PubMed ID: 34387732; Table S2, Usami et al. 2021. PubMed ID: 34599366; Table 1, Guo et al. 2023. PubMed ID: 36958120). This variant has been also reported in heterozygous state in an individual with optic neuropathy (Table S1, Charif et al. 2021. PubMed ID: 33841295). This variant has not been reported in a large population database, indicating this variant is rare. This variant is interpreted as pathogenic.

GeneDx
Classification: Pathogenic. Last evaluated: 2025-12-05. Review status: criteria provided, single submitter. Criteria: GeneDx Variant Classification Process June 2021. Collection method: clinical testing. Allele origin: germline. Affected: yes.
Comment: Not observed at significant frequency in large population cohorts (gnomAD); In silico analysis suggests that this missense variant does not alter protein structure/function; This variant is associated with the following publications: (PMID: 25250959, 29447883, 35982127, 33841295, 35810424, 36564540, 37240725, 34387732, 36958120, 36194208, 34599366)

Genetics Laboratory, Great Ormond Street Hospital NHS Foundation Trust, North Thames Genomic Laboratory Hub
Classification: Pathogenic for Monogenic hearing loss. Last evaluated: 2025-09-21. Review status: criteria provided, single submitter. Criteria: ACGS Best Practice Guidelines for Variant Classification in Rare Disease 2024 v1.2. Collection method: clinical testing. Allele origin: germline. Affected: yes.
Comment: PS4_moderate, PM2_moderate, PP3_supporting, PM5_moderate, PP1_strong, PM6_supporting

Labcorp Genetics (formerly Invitae), Labcorp
Classification: Pathogenic. Last evaluated: 2025-09-08. Review status: criteria provided, single submitter. Criteria: Invitae Variant Classification Sherloc (09022015). Collection method: clinical testing. Allele origin: germline.
Comment: This sequence change replaces aspartic acid, which is acidic and polar, with asparagine, which is neutral and polar, at codon 797 of the WFS1 protein (p.Asp797Asn). This variant is not present in population databases (gnomAD no frequency). This missense change has been observed in individual(s) with autosomal dominant deafness (PMID: 25250959, 29447883). It has also been observed to segregate with disease in related individuals. ClinVar contains an entry for this variant (Variation ID: 517360). Invitae Evidence Modeling of protein sequence and biophysical properties (such as structural, functional, and spatial information, amino acid conservation, physicochemical variation, residue mobility, and thermodynamic stability) has been performed for this missense variant. However, the output from this modeling did not meet the statistical confidence thresholds required to predict the impact of this variant on WFS1 protein function. For these reasons, this variant has been classified as Pathogenic.

Center for Statistical Genetics, Columbia University
Classification: Likely pathogenic for Autosomal dominant nonsyndromic hearing loss. Last evaluated: 2024-11-08. Review status: criteria provided, single submitter. Criteria: ACMG Guidelines, 2015. Collection method: research. Allele origin: germline. Inheritance: Autosomal dominant inheritance. Affected: yes. Observed: 2 heterozygotes.

Blueprint Genetics
Classification: Pathogenic for WFS1-related disorders. Last evaluated: 2023-09-20. Review status: criteria provided, single submitter. Criteria: ACMG Guidelines, 2015. Collection method: clinical testing. Allele origin: germline. Affected: yes. Observed: 4 variant alleles.

Institute of Human Genetics, University of Leipzig Medical Center
Classification: Likely pathogenic for Wolfram syndrome 1. Last evaluated: 2023-06-15. Review status: criteria provided, single submitter. Criteria: ACMG Guidelines, 2015. Collection method: clinical testing. Allele origin: unknown. Inheritance: Autosomal recessive inheritance. Affected: yes.
Comment: Criteria applied: PS4,PM5,PM2_SUP,PP3

Institute of Human Genetics, Univ. Regensburg, Univ. Regensburg
Classification: Likely pathogenic for Optic atrophy. Last evaluated: 2021-01-01. Review status: criteria provided, single submitter. Criteria: ACMG Guidelines, 2015. Collection method: clinical testing. Allele origin: germline. Affected: yes.

CeGaT Center for Human Genetics Tuebingen
Classification: Pathogenic. Last evaluated: 2019-12-01. Review status: criteria provided, single submitter. Criteria: CeGaT Center For Human Genetics Tuebingen Variant Classification Criteria Version 2. Collection method: clinical testing. Allele origin: germline. Affected: yes. Observed: 3 variant alleles.

Laboratory for Molecular Medicine, Mass General Brigham Personalized Medicine
Classification: Pathogenic for Rare genetic deafness. Last evaluated: 2017-05-02. Review status: criteria provided, single submitter. Criteria: LMM Criteria. Collection method: clinical testing. Allele origin: germline. Inheritance: Autosomal dominant inheritance. Observed: 1 variant allele.
Comment: The p.Asp797Asn variant in WFS1 has been reported in a Chinese Han family with a utosomal dominant hearing loss, and segregated with disease in >10 affected rela tives (Bai 2014). Affected family members were evaluated using optic nerve elect roretinogram and fundus imaging, and no abnormalities were reported (Bai 2014). This variant was absent from large population studies. Two different amino acid changes at the same position (p.Asp797Tyr, p.Asp797Val) have also been reported in affected individuals. The p.Asp797Tyr variant has been reported in one indivi dual with sensorineural hearing loss and optic atrophy and segregated in the ind ividual's affected mother (Rendtorff 2011). The p.Asp797Val variant has been rep orted in one individual with autosomal dominant optic atrophy, sensorineural hea ring loss and diabetes mellitus and in one individual with Wolfram syndrome (Roh ayem 2011, Majander 2016). In summary, this variant meets criteria to be classif ied as pathogenic for autosomal dominant hearing loss based on multiple segregat ions with hearing loss reported for a large family with dominant hearing loss (B ai 2014), and absence in controls.

Clinical Genomics, Uppaluri K&H Personalized Medicine Clinic
Classification: Uncertain risk allele for Wolfram syndrome 1. Review status: criteria provided, single submitter. Criteria: K & H Uppaluri Personalized Medicine Clinic Variant Classification & Assertion Criteria_Updated V.1. Collection method: research. Allele origin: unknown. Inheritance: Autosomal recessive inheritance.
Comment: Potent mutations in WFS1 gene are associated with Wolfram's syndrome, an autosomal recessive condition, which cause diabetes mellitus, diabetes insipidus, deafness and optic atrophy. However no sufficient evidence is found to ascertain the role of this particular variant rs1553879004 in Wolfram's syndrome yet.

Clinical Genetics, Academic Medical Center
Classification: Likely pathogenic. Review status: no assertion criteria provided. Collection method: clinical testing. Allele origin: germline. Affected: yes. Study: VKGL Data-share Consensus. Not counted in ClinVar's aggregate classification.

Joint Genome Diagnostic Labs from Nijmegen and Maastricht, Radboudumc and MUMC+
Classification: Likely pathogenic. Review status: no assertion criteria provided. Collection method: clinical testing. Allele origin: germline. Affected: yes. Study: VKGL Data-share Consensus. Not counted in ClinVar's aggregate classification.

Literature cited by the submitters: PubMed 25250959 (cited by 3 submitters); PubMed 29447883 (cited by Labcorp Genetics (formerly Invitae), Labcorp and Institute of Human Genetics, Univ. Regensburg, Univ. Regensburg); PubMed 33841295 (cited by Institute of Human Genetics, Univ. Regensburg, Univ. Regensburg); PubMed 34387732 (cited by Institute of Human Genetics, Univ. Regensburg, Univ. Regensburg); PubMed 35810424 (cited by Institute of Human Genetics, Univ. Regensburg, Univ. Regensburg); PubMed 35982127 (cited by Institute of Human Genetics, Univ. Regensburg, Univ. Regensburg); PubMed 36958120 (cited by Institute of Human Genetics, Univ. Regensburg, Univ. Regensburg); PubMed 26875006 (cited by Laboratory for Molecular Medicine, Mass General Brigham Personalized Medicine); PubMed 21538838 (cited by Laboratory for Molecular Medicine, Mass General Brigham Personalized Medicine); PubMed 21602428 (cited by Laboratory for Molecular Medicine, Mass General Brigham Personalized Medicine); PubMed 20738327 (cited by Clinical Genomics, Uppaluri K&H Personalized Medicine Clinic); PubMed 33879153 (cited by Clinical Genomics, Uppaluri K&H Personalized Medicine Clinic); PubMed 12955714 (cited by Clinical Genomics, Uppaluri K&H Personalized Medicine Clinic); PubMed 18060660 (cited by Clinical Genomics, Uppaluri K&H Personalized Medicine Clinic); PubMed 20301750 (cited by Clinical Genomics, Uppaluri K&H Personalized Medicine Clinic); PubMed 17603484 (cited by Clinical Genomics, Uppaluri K&H Personalized Medicine Clinic).